The following is an entry in ClinVar:

NM_005518.4(HMGCS2):c.791G>A (p.Arg264Gln)

Gene: HMGCS2 (3-hydroxy-3-methylglutaryl-CoA synthase 2; minus strand). Cytogenetic location: 1p12.
Variant type: single nucleotide variant.
Coding change: c.791G>A on transcript NM_005518.4 (MANE Select); coding-DNA position 791, G replaced by A.
Protein change: p.Arg264Gln; replaces arginine 264 with glutamine.
Molecular consequence: missense variant.
Genome position (GRCh38, 1-based): chr1:119,759,177, C>T on the plus strand (G>A on the coding strand, the complement: HMGCS2 is on the minus strand). VCF-style: chr1-119759177-C-T. GRCh37 (hg19) VCF-style: chr1-120301800-C-T.
Other names: c.665G>A, p.Arg222Gln (NM_001166107.1); short protein forms R264Q, R222Q.
Identifiers: ClinVar variation 874561 (VCV000874561.8), dbSNP rs372095379, ClinGen allele CA1037791.

ClinVar aggregate classification (germline): Uncertain significance. Review status: criteria provided, multiple submitters, no conflicts (2 of 4 stars). 3 submissions from 3 submitters: Uncertain significance (3). Last evaluated 2026-01-14.

Conditions:
3-hydroxy-3-methylglutaryl-CoA synthase deficiency (HMGCS2D). Also called: MITOCHONDRIAL HMG-CoA SYNTHASE DEFICIENCY; HMG-CoA synthase-2 deficiency; HMGCS2 DEFICIENCY. Identifiers: Orphanet 35701, MedGen C2751532, MONDO:0011614, OMIM 605911.

Allele frequency attached by ClinVar (database versions not stated): gnomAD 0.00003; gnomAD exomes 0.00003 and 0.00007; TOPMed 0.00005; ESP Exome Variant Server 0.00008; ExAC 0.00011.
gnomAD v4.1: 48 of 1,614,032 alleles (0.003%); highest among the groups gnomAD compares: East Asian, 0.071%; no homozygotes.

Submissions (3):

Labcorp Genetics (formerly Invitae), Labcorp
Classification: Uncertain significance for 3-hydroxy-3-methylglutaryl-CoA synthase deficiency. Last evaluated: 2026-01-14. Review status: criteria provided, single submitter. Criteria: Invitae Variant Classification Sherloc (09022015). Collection method: clinical testing. Allele origin: germline.
Comment: This sequence change replaces arginine, which is basic and polar, with glutamine, which is neutral and polar, at codon 264 of the HMGCS2 protein (p.Arg264Gln). This variant is present in population databases (rs372095379, gnomAD 0.07%). This variant has not been reported in the literature in individuals affected with HMGCS2-related conditions. ClinVar contains an entry for this variant (Variation ID: 874561). Invitae Evidence Modeling of protein sequence and biophysical properties (such as structural, functional, and spatial information, amino acid conservation, physicochemical variation, residue mobility, and thermodynamic stability) indicates that this missense variant is not expected to disrupt HMGCS2 protein function with a negative predictive value of 80%. In summary, the available evidence is currently insufficient to determine the role of this variant in disease. Therefore, it has been classified as a Variant of Uncertain Significance.

Baylor Genetics
Classification: Uncertain significance for 3-hydroxy-3-methylglutaryl-CoA synthase deficiency. Last evaluated: 2018-01-17. Review status: criteria provided, single submitter. Criteria: ACMG Guidelines, 2015. Collection method: clinical testing. Allele origin: paternal. Affected: yes.
Comment: This variant was determined to be of uncertain significance according to ACMG Guidelines, 2015 [PMID:25741868].

Illumina Laboratory Services, Illumina
Classification: Uncertain significance for 3-hydroxy-3-methylglutaryl-CoA synthase deficiency. Last evaluated: 2017-09-28. Review status: criteria provided, single submitter. Criteria: ICSL Variant Classification Criteria 13 December 2019. Collection method: clinical testing. Allele origin: germline.